The following is an entry in ClinVar:

NM_022168.4(IFIH1):c.2564A>G (p.Tyr855Cys)

Gene: IFIH1 (interferon induced with helicase C domain 1; minus strand). Cytogenetic location: 2q24.2.
Variant type: single nucleotide variant.
Coding change: c.2564A>G on transcript NM_022168.4 (MANE Select); coding-DNA position 2564, A replaced by G.
Protein change: p.Tyr855Cys; replaces tyrosine 855 with cysteine.
Molecular consequence: missense variant.
Genome position (GRCh38, 1-based): chr2:162,272,278, T>C on the plus strand (A>G on the coding strand, the complement: IFIH1 is on the minus strand). VCF-style: chr2-162272278-T-C. GRCh37 (hg19) VCF-style: chr2-163128788-T-C.
Other names: short protein forms Y855C.
Identifiers: ClinVar variation 4789305 (VCV004789305.1).
Genomic context (GRCh38, chr2:162,272,278, plus strand): 5'-AACAATACCTTATGAGCATACTCCTCTGGTTTCATATTTTGAACACAATGTATAGCTTTA[T>C]ACATCATCTTCTCTCGGAAATCATTAACTGTCTCATGTTCGATAACTCCTGAACCACTGT-3'
Protein context (NP_071451.2, residues 845-865): TVNDFREKMM[Tyr855Cys]KAIHCVQNMK

ClinVar aggregate classification (germline): Uncertain significance (1 of 4 stars; one submission).

Conditions:
Singleton-Merten syndrome 1 (SGMRT1). Also called: Widened medullary cavities of bone, aortic calcification, abnormal dentition, and muscular weakness; Syndrome of widened medullary cavities of the metacarpals and phalanges, aortic calcification and abnormal dentition. Identifiers: Orphanet 85191, MedGen C4225427, MONDO:0024535, OMIM 182250.
Aicardi-Goutieres syndrome 7 (AGS7). Identifiers: Orphanet 51, MedGen C3888244, MONDO:0014367, OMIM 615846.

gnomAD v4.1: 1 of 1,612,938 alleles (0.000062%); highest among the groups gnomAD compares: Admixed American, 0.0017%; no homozygotes.

Submission:

Labcorp Genetics (formerly Invitae), Labcorp
Classification: Uncertain significance for Aicardi-Goutieres syndrome 7; Singleton-Merten syndrome 1. Last evaluated: 2025-05-30. Review status: criteria provided, single submitter. Criteria: Invitae Variant Classification Sherloc (09022015). Collection method: clinical testing. Allele origin: germline.
Comment: This sequence change replaces tyrosine, which is neutral and polar, with cysteine, which is neutral and slightly polar, at codon 855 of the IFIH1 protein (p.Tyr855Cys). This variant is not present in population databases (gnomAD no frequency). This variant has not been reported in the literature in individuals affected with IFIH1-related conditions. Invitae Evidence Modeling of protein sequence and biophysical properties (such as structural, functional, and spatial information, amino acid conservation, physicochemical variation, residue mobility, and thermodynamic stability) has been performed for this missense variant. However, the output from this modeling did not meet the statistical confidence thresholds required to predict the impact of this variant on IFIH1 protein function. In summary, the available evidence is currently insufficient to determine the role of this variant in disease. Therefore, it has been classified as a Variant of Uncertain Significance.